The following is an entry in ClinVar:

NM_006218.4(PIK3CA):c.356T>C (p.Phe119Ser)

Gene: PIK3CA (phosphatidylinositol-4,5-bisphosphate 3-kinase catalytic subunit alpha; plus strand). Cytogenetic location: 3q26.32.
Variant type: single nucleotide variant.
Coding change: c.356T>C on transcript NM_006218.4 (MANE Select); coding-DNA position 356, T replaced by C.
Protein change: p.Phe119Ser; replaces phenylalanine 119 with serine.
Molecular consequence: missense variant.
Genome position (GRCh38, 1-based): chr3:179,199,693, T>C. VCF-style: chr3-179199693-T-C. GRCh37 (hg19) VCF-style: chr3-178917481-T-C.
Other names: short protein forms F119S.
Identifiers: ClinVar variation 4136789 (VCV004136789.1).

ClinVar aggregate classification (germline): Uncertain significance (1 of 4 stars; one submission).

Conditions:
Inborn genetic diseases. Identifiers: MedGen C0950123, MeSH D030342.

Submission:

Ambry Genetics
Classification: Uncertain significance for Inborn genetic diseases. Last evaluated: 2025-07-24. Review status: criteria provided, single submitter. Criteria: Ambry Variant Classification Scheme 2023. Collection method: clinical testing. Allele origin: germline.
Comment: The p.F119S variant (also known as c.356T>C), located in coding exon 2 of the PIK3CA gene, results from a T to C substitution at nucleotide position 356. The phenylalanine at codon 119 is replaced by serine, an amino acid with highly dissimilar properties. This amino acid position is conserved. In addition, the in silico prediction for this alteration is inconclusive. Based on the available evidence, the clinical significance of this variant remains unclear.